The following is an entry in ClinVar:

NM_000138.5(FBN1):c.368G>T (p.Cys123Phe)

Gene: FBN1 (fibrillin 1; minus strand). Cytogenetic location: 15q21.1.
Variant type: single nucleotide variant.
Coding change: c.368G>T on transcript NM_000138.5 (MANE Select); coding-DNA position 368, G replaced by T.
Protein change: p.Cys123Phe; replaces cysteine 123 with phenylalanine.
Molecular consequence: missense variant.
Genome position (GRCh38, 1-based): chr15:48,600,213, C>A on the plus strand (G>T on the coding strand, the complement: FBN1 is on the minus strand). VCF-style: chr15-48600213-C-A. GRCh37 (hg19) VCF-style: chr15-48892410-C-A.
Other names: c.368G>T, p.Cys123Phe (NM_001406716.1, NM_001406717.1); short protein forms C123F.
Identifiers: ClinVar variation 4789675 (VCV004789675.1).
Genomic context (GRCh38, chr15:48,600,213, plus strand): 5'-GTCCCTATGTATCCTTTCTGGCATAGACAGTGATCGTCACTGCAGCTACCTCCATTCATA[C>A]AGCGAATATTGCAGTGTTGTACTTGAAAAAAAAGAAGAAGAATTCACTTTTGCAACTTAA-3'
Protein context (NP_000129.3, residues 113-133): SRSIQHCNIR[Cys123Phe]MNGGSCSDDH

ClinVar aggregate classification (germline): Pathogenic (1 of 4 stars; one submission).

Conditions:
Marfan syndrome (MFS). Also called: FBN1-Related Marfan Syndrome; MARFAN SYNDROME, TYPE I; Marfan syndrome type 1; Marfan's syndrome; Marfan syndrome, classic. Identifiers: Orphanet 284963, Orphanet 558, MedGen C0024796, MONDO:0007947, OMIM 154700.
Familial thoracic aortic aneurysm and aortic dissection (TAAD). Also called: Thoracic aortic aneurysms and dissections. Identifiers: Orphanet 91387, MedGen C4707243, MONDO:0019625.

Submission:

Labcorp Genetics (formerly Invitae), Labcorp
Classification: Pathogenic for Marfan syndrome; Familial thoracic aortic aneurysm and aortic dissection. Last evaluated: 2025-10-22. Review status: criteria provided, single submitter. Criteria: Invitae Variant Classification Sherloc (09022015). Collection method: clinical testing. Allele origin: germline.
Comment: This sequence change replaces cysteine, which is neutral and slightly polar, with phenylalanine, which is neutral and non-polar, at codon 123 of the FBN1 protein (p.Cys123Phe). This variant is not present in population databases (gnomAD no frequency). This missense change has been observed in individual(s) with clinical features of Marfan syndrome (PMID: 38190127). Invitae Evidence Modeling of protein sequence and biophysical properties (such as structural, functional, and spatial information, amino acid conservation, physicochemical variation, residue mobility, and thermodynamic stability) indicates that this missense variant is expected to disrupt FBN1 protein function with a positive predictive value of 95%. This variant affects a cysteine residue in the EGF-like, TGFBP or hybrid motif domains of FBN1. Cysteine residues are believed to be involved in intramolecular disulfide bridges and have been shown to be important for FBN1 protein structure (PMID: 16905551, 19349279). In addition, missense substitutions affecting cysteine residues within these domains are significantly overrepresented among patients with Marfan syndrome (PMID: 16571647, 17701892). This variant disrupts the p.Cys123 amino acid residue in FBN1. Other variant(s) that disrupt this residue have been observed in individuals with FBN1-related conditions (PMID: 31098894, 33576469; internal data), which suggests that this may be a clinically significant amino acid residue. For these reasons, this variant has been classified as Pathogenic.

Literature cited by the submitters: PubMed 38190127; PubMed 16905551; PubMed 19349279; PubMed 16571647; PubMed 17701892; PubMed 31098894; PubMed 33576469.